The following is an entry in ClinVar:

NM_017882.3(CLN6):c.919G>A (p.Val307Ile)

Gene: CLN6 (CLN6 transmembrane ER protein; minus strand). Cytogenetic location: 15q23.
Variant type: single nucleotide variant.
Coding change: c.919G>A on transcript NM_017882.3 (MANE Select); coding-DNA position 919, G replaced by A.
Protein change: p.Val307Ile; replaces valine 307 with isoleucine.
Molecular consequence: missense variant.
Genome position (GRCh38, 1-based): chr15:68,208,157, C>T on the plus strand (G>A on the coding strand, the complement: CLN6 is on the minus strand). VCF-style: chr15-68208157-C-T. GRCh37 (hg19) VCF-style: chr15-68500495-C-T.
Other names: c.919G>A (NM_017882.2); short protein forms V307I.
Identifiers: ClinVar variation 1436886 (VCV001436886.5), dbSNP rs146801142, ClinGen allele CA7630443.
Genomic context (GRCh38, chr15:68,208,157, plus strand): 5'-CACCCTCCCACCCAGCAGAGCGCCAGAGCCTGGTGCCAGGGACTCAGTGCCGACTGCTGA[C>T]GTGAAGGGTGTAGAAAGCCCAGGGCTCAGGGACGTAGATGACACCCGGGTACTTCTTCCT-3'
Protein context (NP_060352.1, residues 297-311): PEPWAFYTLH[Val307Ile]SSRH

ClinVar aggregate classification (germline): Uncertain significance. Review status: criteria provided, multiple submitters, no conflicts (2 of 4 stars). 3 submissions from 3 submitters: Uncertain significance (3). Last evaluated 2024-08-04.

Conditions:
Neuronal ceroid lipofuscinosis. Also called: Neuronal Ceroid Lipofuscinoses. Identifiers: Orphanet 216, Orphanet 79263, MedGen C0027877, MONDO:0016295. Disease mechanism: loss of function.
Ceroid lipofuscinosis, neuronal, 6A. Also called: Neuronal ceroid lipofuscinosis, Gypsy/Indian early juvenile variant; Neuronal ceroid lipofuscinosis 6; CLN6-Related Neuronal Ceroid-Lipofuscinosis; Neuronal ceroid lipofuscinosis, late infantile, variant. Identifiers: Orphanet 168491, Orphanet 228363, MedGen C5551375, MONDO:0011144, OMIM 601780.
Ceroid lipofuscinosis, neuronal, 6B (Kufs type). Also called: Neuronal ceroid lipofuscinosis 4A. Identifiers: Orphanet 700477, MedGen C5561927, MONDO:0008768, OMIM 204300.

Allele frequency attached by ClinVar (database versions not stated): ExAC 0.00003; ESP Exome Variant Server 0.00023.

Submissions (3):

GeneDx
Classification: Uncertain significance. Last evaluated: 2024-08-04. Review status: criteria provided, single submitter. Criteria: GeneDx Variant Classification Process June 2021. Collection method: clinical testing. Allele origin: germline. Affected: yes.
Comment: In silico analysis indicates that this missense variant does not alter protein structure/function; This variant is associated with the following publications: (PMID: 26934580)

Labcorp Genetics (formerly Invitae), Labcorp
Classification: Uncertain significance for Neuronal ceroid lipofuscinosis. Last evaluated: 2022-07-09. Review status: criteria provided, single submitter. Criteria: Invitae Variant Classification Sherloc (09022015). Collection method: clinical testing. Allele origin: germline.
Comment: This sequence change replaces valine, which is neutral and non-polar, with isoleucine, which is neutral and non-polar, at codon 307 of the CLN6 protein (p.Val307Ile). This variant is present in population databases (rs146801142, gnomAD 0.01%). This variant has not been reported in the literature in individuals affected with CLN6-related conditions. ClinVar contains an entry for this variant (Variation ID: 1436886). Algorithms developed to predict the effect of missense changes on protein structure and function output the following: SIFT: "Tolerated"; PolyPhen-2: "Benign"; Align-GVGD: "Class C0". The isoleucine amino acid residue is found in multiple mammalian species, which suggests that this missense change does not adversely affect protein function. In summary, the available evidence is currently insufficient to determine the role of this variant in disease. Therefore, it has been classified as a Variant of Uncertain Significance.

Fulgent Genetics
Classification: Uncertain significance for Ceroid lipofuscinosis, neuronal, 6B (Kufs type); Ceroid lipofuscinosis, neuronal, 6A. Last evaluated: 2021-12-21. Review status: criteria provided, single submitter. Criteria: ACMG Guidelines, 2015. Collection method: clinical testing. Allele origin: unknown.